The following is an entry in ClinVar:

ClinVar aggregate classification (germline): Uncertain significance (1 of 4 stars; one submission).

Conditions:
Centromeric instability of chromosomes 1,9 and 16 and immunodeficiency (ICF1). Also called: Immunodeficiency-centromeric instability-facial anomalies; CENTROMERIC INSTABILITY, IMMUNODEFICIENCY SYNDROME; IMMUNE DEFICIENCY, VARIABLE, WITH CENTROMERIC INSTABILITY OF CHROMOSOMES 1, 9, AND 16; IMMUNODEFICIENCY SYNDROME, VARIABLE. Identifiers: Orphanet 2268, MedGen C0398788, MONDO:0000133.

Allele frequency attached by ClinVar (database versions not stated): gnomAD exomes below 0.00001 and 0.00005; gnomAD 0.00004; TOPMed 0.00004.
gnomAD v4.1: 83 of 1,613,372 alleles (0.0051%); highest among the groups gnomAD compares: Middle Eastern, 0.016%; no homozygotes.

Submission:

Labcorp Genetics (formerly Invitae), Labcorp
Classification: Uncertain significance for Centromeric instability of chromosomes 1,9 and 16 and immunodeficiency. Last evaluated: 2022-01-18. Review status: criteria provided, single submitter. Criteria: Invitae Variant Classification Sherloc (09022015). Collection method: clinical testing. Allele origin: germline.
Comment: This sequence change falls in intron 13 of the DNMT3B gene. It does not directly change the encoded amino acid sequence of the DNMT3B protein. It affects a nucleotide within the consensus splice site. The frequency data for this variant in the population databases is considered unreliable, as metrics indicate poor data quality at this position in the gnomAD database. This variant has not been reported in the literature in individuals affected with DNMT3B-related conditions. ClinVar contains an entry for this variant (Variation ID: 646476). Variants that disrupt the consensus splice site are a relatively common cause of aberrant splicing (PMID: 17576681, 9536098). Algorithms developed to predict the effect of sequence changes on RNA splicing suggest that this variant is not likely to affect RNA splicing. In summary, the available evidence is currently insufficient to determine the role of this variant in disease. Therefore, it has been classified as a Variant of Uncertain Significance.

Literature cited by the submitters: PubMed 17576681; PubMed 9536098.

NM_006892.4(DNMT3B):c.1378-3C>T

Gene: DNMT3B (DNA methyltransferase 3 beta; plus strand). Cytogenetic location: 20q11.21.
Variant type: single nucleotide variant.
Coding change: c.1378-3C>T on transcript NM_006892.4 (MANE Select); 3 bases into the intron before coding-DNA position 1378, C replaced by T.
Molecular consequence: intron variant.
Genome position (GRCh38, 1-based): chr20:32,797,184, C>T. VCF-style: chr20-32797184-C-T. GRCh37 (hg19) VCF-style: chr20-31384990-C-T.
Other names: c.1318-3C>T (NM_175848.2, NM_175849.2); c.1192-3C>T (NM_001207055.2); c.1090-3C>T (NM_001207056.2); c.1354-3C>T (NM_175850.3).
Identifiers: ClinVar variation 646476 (VCV000646476.7), dbSNP rs777850259, ClinGen allele CA313153655.
Genomic context (GRCh38, chr20:32,797,184, plus strand): 5'-AAGCCGGCAGGGCCTGCCCTTCTCTGGTCTCCGATTTCACTGGTGTTTCTCTCTGGCTGC[C>T]AGGATCGCTTCCTTGAGCTGTTTTACATGTATGATGACGATGGCTATCAGTCTTACTGCA-3'